The following is an entry in ClinVar:

NM_017802.4(DNAAF5):c.241T>A (p.Leu81Met)

Genes: DNAAF5 (dynein axonemal assembly factor 5; plus strand), PRKAR1B (protein kinase cAMP-dependent type I regulatory subunit beta; minus strand), LOC129997730 (ATAC-STARR-seq lymphoblastoid silent region 17816; plus strand). Cytogenetic location: 7p22.3.
Variant type: single nucleotide variant.
Coding change: c.241T>A on transcript NM_017802.4 (MANE Select); coding-DNA position 241, T replaced by A.
Protein change: p.Leu81Met; replaces leucine 81 with methionine.
Molecular consequence: missense variant. On other transcripts: non-coding transcript variant (1), intron variant (3).
Genome position (GRCh38, 1-based): chr7:726,961, T>A. VCF-style: chr7-726961-T-A. GRCh37 (hg19) VCF-style: chr7-766598-T-A.
Other names: c.-23+694A>T (NM_001164759.1); c.-23+629A>T (NM_001164758.2); c.-23+249A>T (NM_001164760.2); short protein forms L81M.
Identifiers: ClinVar variation 1791008 (VCV001791008.2), dbSNP rs1303155172, ClinGen allele CA366530038.

ClinVar aggregate classification (germline): Uncertain significance (1 of 4 stars; one submission).

Conditions:
Primary ciliary dyskinesia. Also called: Ciliary dyskinesia. Identifiers: Orphanet 244, MedGen C0008780, MONDO:0016575, HP:0012265.

Allele frequency attached by ClinVar (database versions not stated): gnomAD 0.00001; gnomAD exomes 0.00001.
gnomAD v4.1: 9 of 1,324,296 alleles (0.00068%); highest among the groups gnomAD compares: Non-Finnish European, 0.00087%; no homozygotes.

Submission:

Ambry Genetics
Classification: Uncertain significance for Primary ciliary dyskinesia. Last evaluated: 2017-05-16. Review status: criteria provided, single submitter. Criteria: Ambry Variant Classification Scheme 2023. Collection method: clinical testing. Allele origin: germline.
Comment: The p.L81M variant (also known as c.241T>A), located in coding exon 1 of the DNAAF5 gene, results from a T to A substitution at nucleotide position 241. The leucine at codon 81 is replaced by methionine, an amino acid with highly similar properties. This amino acid position is highly conserved on limited sequence alignment. In addition, this alteration is predicted to be tolerated by in silico analysis. Since supporting evidence is limited at this time, the clinical significance of this alteration remains unclear.